The following is an entry in ClinVar:

NM_016122.3(CEP83):c.324+3G>A

Gene: CEP83 (centrosomal protein 83; minus strand). Cytogenetic location: 12q22.
Variant type: single nucleotide variant.
Coding change: c.324+3G>A on transcript NM_016122.3 (MANE Select); 3 bases into the intron after coding-DNA position 324, G replaced by A.
Molecular consequence: intron variant.
Genome position (GRCh38, 1-based): chr12:94,411,694, C>T on the plus strand (G>A on the coding strand, the complement: CEP83 is on the minus strand). VCF-style: chr12-94411694-C-T. GRCh37 (hg19) VCF-style: chr12-94805470-C-T.
Other names: c.324+3G>A (NM_001346457.2, NM_001042399.2, NM_001368038.1 and 4 more transcripts); c.12+3G>A (NM_001346459.2, NM_001346458.2, NM_001368040.1 and 3 more transcripts).
Identifiers: ClinVar variation 3674619 (VCV003674619.2).

ClinVar aggregate classification (germline): Uncertain significance (1 of 4 stars; one submission).

Conditions:
Nephronophthisis 18 (NPHP18). Identifiers: Orphanet 655, MedGen C3890591, MONDO:0014374, OMIM 615862.

gnomAD v4.1: 15 of 1,591,578 alleles (0.00094%); highest among the groups gnomAD compares: Non-Finnish European, 0.0012%; no homozygotes.

Submission:

Labcorp Genetics (formerly Invitae), Labcorp
Classification: Uncertain significance for Nephronophthisis 18. Last evaluated: 2024-12-21. Review status: criteria provided, single submitter. Criteria: Invitae Variant Classification Sherloc (09022015). Collection method: clinical testing. Allele origin: germline.
Comment: This sequence change falls in intron 4 of the CEP83 gene. It does not directly change the encoded amino acid sequence of the CEP83 protein. It affects a nucleotide within the consensus splice site. This variant is present in population databases (rs769341934, gnomAD 0.0009%). This variant has not been reported in the literature in individuals affected with CEP83-related conditions. Variants that disrupt the consensus splice site are a relatively common cause of aberrant splicing (PMID: 17576681, 9536098). Algorithms developed to predict the effect of sequence changes on RNA splicing suggest that this variant is not likely to affect RNA splicing. In summary, the available evidence is currently insufficient to determine the role of this variant in disease. Therefore, it has been classified as a Variant of Uncertain Significance.

Literature cited by the submitters: PubMed 17576681; PubMed 9536098.